The following is an entry in ClinVar:

NM_000094.4(COL7A1):c.1733G>T (p.Arg578Leu)

Gene: COL7A1 (collagen type VII alpha 1 chain; minus strand). Cytogenetic location: 3p21.31.
Variant type: single nucleotide variant.
Coding change: c.1733G>T on transcript NM_000094.4 (MANE Select); coding-DNA position 1733, G replaced by T.
Protein change: p.Arg578Leu; replaces arginine 578 with leucine.
Molecular consequence: missense variant.
Genome position (GRCh38, 1-based): chr3:48,590,720, C>A on the plus strand (G>T on the coding strand, the complement: COL7A1 is on the minus strand). VCF-style: chr3-48590720-C-A. GRCh37 (hg19) VCF-style: chr3-48628153-C-A.
Other names: short protein forms R578L.
Identifiers: ClinVar variation 3626726 (VCV003626726.2).
Genomic context (GRCh38, chr3:48,590,720, plus strand): 5'-CTGCAGTACTCACCCCGGCGGACAGTGAGGACACTGGCACTGCCCTCACGGGGACCCACT[C>A]GAGCAGACACCCGCACAGTGTAGCTAAGCCCAGCCTGAACGTCATCCAAGTCGAATGCTG-3'
Protein context (NP_000085.1, residues 568-588): GLSYTVRVSA[Arg578Leu]VGPREGSASV

ClinVar aggregate classification (germline): Uncertain significance (1 of 4 stars; one submission).

gnomAD v4.1: 18 of 1,614,004 alleles (0.0011%); highest among the groups gnomAD compares: Non-Finnish European, 0.0015%; no homozygotes.

Submission:

Labcorp Genetics (formerly Invitae), Labcorp
Classification: Uncertain significance. Last evaluated: 2025-06-27. Review status: criteria provided, single submitter. Criteria: Invitae Variant Classification Sherloc (09022015). Collection method: clinical testing. Allele origin: germline.
Comment: This sequence change replaces arginine, which is basic and polar, with leucine, which is neutral and non-polar, at codon 578 of the COL7A1 protein (p.Arg578Leu). This variant is present in population databases (rs41290692, gnomAD 0.002%). This variant has not been reported in the literature in individuals affected with COL7A1-related conditions. ClinVar contains an entry for this variant (Variation ID: 3626726). Invitae Evidence Modeling of protein sequence and biophysical properties (such as structural, functional, and spatial information, amino acid conservation, physicochemical variation, residue mobility, and thermodynamic stability) indicates that this missense variant is not expected to disrupt COL7A1 protein function with a negative predictive value of 95%. In summary, the available evidence is currently insufficient to determine the role of this variant in disease. Therefore, it has been classified as a Variant of Uncertain Significance.